The following is an entry in ClinVar:

ClinVar aggregate classification (germline): Pathogenic (1 of 4 stars; one submission).

Allele frequency attached by ClinVar (database versions not stated): gnomAD exomes below 0.00001.

Submission:

Labcorp Genetics (formerly Invitae), Labcorp
Classification: Pathogenic. Last evaluated: 2022-07-05. Review status: criteria provided, single submitter. Criteria: Invitae Variant Classification Sherloc (09022015). Collection method: clinical testing. Allele origin: germline.
Comment: This sequence change creates a premature translational stop signal (p.Gln445Argfs*16) in the NEMF gene. It is expected to result in an absent or disrupted protein product. Loss-of-function variants in NEMF are known to be pathogenic (PMID: 27431290, 32934225). This variant is present in population databases (no rsID available, gnomAD no frequency). This variant has not been reported in the literature in individuals affected with NEMF-related conditions. For these reasons, this variant has been classified as Pathogenic.

Literature cited by the submitters: PubMed 27431290; PubMed 32934225.

NM_004713.6(NEMF):c.1334_1337del (p.Gln445fs)

Gene: NEMF (nuclear export mediator factor; minus strand). Cytogenetic location: 14q21.3.
Variant type: Deletion.
Coding change: c.1334_1337del on transcript NM_004713.6 (MANE Select); coding-DNA positions 1334 to 1337, 4 bases deleted (AAAA; older notation c.1334_1337delAAAA).
Protein change: p.Gln445fs; shifts the reading frame from glutamine 445.
Molecular consequence: frameshift variant.
Genome position (GRCh38, 1-based): chr14:49,828,703-49,828,706, TTTT deleted on the plus strand (AAAA on the coding strand, the reverse complement: NEMF is on the minus strand). VCF-style (leftmost placement, unchanged base first): chr14-49828702-CTTTT-C. GRCh37 (hg19) VCF-style: chr14-50295420-CTTTT-C.
Other names: c.1334_1337del, p.Gln445fs (NM_001301732.3); short protein forms Q445fs.
Identifiers: ClinVar variation 2153920 (VCV002153920.1), dbSNP rs2503266791, ClinGen allele CA614274125.